The following is an entry in ClinVar:

ClinVar aggregate classification (germline): Uncertain significance (1 of 4 stars; one submission).

Conditions:
Hereditary cancer-predisposing syndrome. Also called: Tumor predisposition; Neoplastic Syndromes, Hereditary; Hereditary neoplastic syndrome; Hereditary Cancer Syndrome. Identifiers: Orphanet 140162, MedGen C0027672, MeSH D009386, MONDO:0015356.

Submission:

Ambry Genetics
Classification: Uncertain significance for Hereditary cancer-predisposing syndrome. Last evaluated: 2024-08-09. Review status: criteria provided, single submitter. Criteria: Ambry Variant Classification Scheme 2023. Collection method: clinical testing. Allele origin: germline.
Comment: The c.2723_2724insCCT variant (also known as p.V908_T909insL), located in coding exon 17 of the ATM gene, results from an in-frame CCT insertion at nucleotide positions 2723 to 2724. This results in the insertion of an extra leucine residue between codons 908 and 909. This amino acid position is highly conserved in available vertebrate species. In addition, the in silico prediction for this alteration is inconclusive (Choi Y et al. PLoS ONE. 2012; 7(10):e46688). Based on the available evidence, the clinical significance of this variant remains unclear.

NM_000051.4(ATM):c.2723_2724insCCT (p.Val908_Thr909insLeu)

Gene: ATM (ATM serine/threonine kinase; plus strand). Cytogenetic location: 11q22.3.
Variant type: Insertion.
Coding change: c.2723_2724insCCT on transcript NM_000051.4 (MANE Select); coding-DNA positions 2723 to 2724, CCT inserted.
Protein change: p.Val908_Thr909insLeu.
Genome position: GRCh38 VCF-style: chr11-108268493-G-GTCC. GRCh37 (hg19) VCF-style: chr11-108139220-G-GTCC.
Other names: c.2723_2724insCCT, p.Val908_Thr909insLeu (NM_001351834.2).
Identifiers: ClinVar variation 3450504 (VCV003450504.1).